The following is an entry in ClinVar:

NM_000458.4(HNF1B):c.1067G>C (p.Gly356Ala)

Gene: HNF1B (HNF1 homeobox B; minus strand). Cytogenetic location: 17q12.
Variant type: single nucleotide variant.
Coding change: c.1067G>C on transcript NM_000458.4 (MANE Select); coding-DNA position 1067, G replaced by C.
Protein change: p.Gly356Ala; replaces glycine 356 with alanine.
Molecular consequence: missense variant.
Genome position (GRCh38, 1-based): chr17:37,710,642, C>G on the plus strand (G>C on the coding strand, the complement: HNF1B is on the minus strand). VCF-style: chr17-37710642-C-G. GRCh37 (hg19) VCF-style: chr17-36070650-C-G.
Other names: c.989G>C, p.Gly330Ala (NM_001165923.4, NM_001304286.2); c.1067G>C, p.Gly356Ala (NM_001411100.1); short protein forms G356A, G330A.
Identifiers: ClinVar variation 4987795 (VCV004987795.1).

ClinVar aggregate classification (germline): Uncertain significance (1 of 4 stars; one submission).

Conditions:
HNF1B-related disorder. Also called: HNF1B-related condition; HNF1B-related disorders.

Submission:

PreventionGenetics, part of Exact Sciences
Classification: Uncertain significance for HNF1B-related condition. Last evaluated: 2025-10-03. Review status: criteria provided, single submitter. Criteria: ACMG Guidelines, 2015. Collection method: clinical testing. Allele origin: germline.
Comment: The HNF1B c.1067G>C variant is predicted to result in the amino acid substitution p.Gly356Ala. To our knowledge, this variant has not been reported in the literature or in a large population database (gnomAD), indicating this variant is rare. At this time, the clinical significance of this variant is uncertain due to the absence of conclusive functional and genetic evidence.